The following is an entry in ClinVar:

ClinVar aggregate classification (germline): Conflicting classifications of pathogenicity. Review status: criteria provided, conflicting classifications (1 of 4 stars). 2 submissions from 2 submitters: Uncertain significance (1); Likely benign (1). Last evaluated 2026-03-27.

Conditions:
TTN-related disorder. Also called: TTN-related disorders; TTN-related condition; TTN-related disease.

gnomAD v4.1: 52 of 1,605,400 alleles (0.0032%); highest among the groups gnomAD compares: Non-Finnish European, 0.0041%; no homozygotes.

Submissions (2):

Molecular Diagnostic Laboratory for Inherited Cardiovascular Disease, Montreal Heart Institute
Classification: Likely benign. Last evaluated: 2026-03-27. Review status: criteria provided, single submitter. Criteria: ACMG Guidelines, 2015. Collection method: clinical testing. Allele origin: germline. Affected: no.
Comment: BP1

PreventionGenetics, part of Exact Sciences
Classification: Uncertain significance for TTN-related condition. Last evaluated: 2025-08-15. Review status: criteria provided, single submitter. Criteria: ACMG Guidelines, 2015. Collection method: clinical testing. Allele origin: germline.
Comment: The TTN c.61327T>C variant is predicted to result in the amino acid substitution p.Tyr20443His. To our knowledge, this variant has not been reported in the literature. This variant is reported in 0.0030% of alleles in individuals of Latino descent in gnomAD. At this time, the clinical significance of this variant is uncertain due to the absence of conclusive functional and genetic evidence.

NM_001267550.2(TTN):c.61327T>C (p.Tyr20443His)

Genes: TTN (titin; minus strand), TTN-AS1 (TTN antisense RNA 1; plus strand). Cytogenetic location: 2q31.2.
Variant type: single nucleotide variant.
Coding change: c.61327T>C on transcript NM_001267550.2 (MANE Select); coding-DNA position 61327, T replaced by C.
Protein change: p.Tyr20443His; replaces tyrosine 20443 with histidine.
Molecular consequence: missense variant.
Genome position (GRCh38, 1-based): chr2:178,590,398, A>G on the plus strand (T>C on the coding strand, the complement: TTN is on the minus strand). VCF-style: chr2-178590398-A-G. GRCh37 (hg19) VCF-style: chr2-179455125-A-G.
Other names: c.56404T>C, p.Tyr18802His (NM_001256850.1); c.34132T>C, p.Tyr11378His (NM_003319.4); c.53623T>C, p.Tyr17875His (NM_133378.4); c.34507T>C, p.Tyr11503His (NM_133432.3); c.34708T>C, p.Tyr11570His (NM_133437.4); short protein forms Y11378H, Y11503H, Y11570H, Y17875H, Y18802H, Y20443H.
Identifiers: ClinVar variation 4820367 (VCV004820367.2), dbSNP rs781630562.